The following is an entry in ClinVar:

NM_014975.3(MAST1):c.249-2A>C

Gene: MAST1 (microtubule associated serine/threonine kinase 1; plus strand). Cytogenetic location: 19p13.13.
Variant type: single nucleotide variant.
Coding change: c.249-2A>C on transcript NM_014975.3 (MANE Select); the canonical splice acceptor site of the intron before coding-DNA position 249, A replaced by C.
Molecular consequence: splice acceptor variant.
Genome position (GRCh38, 1-based): chr19:12,843,527, A>C. VCF-style: chr19-12843527-A-C. GRCh37 (hg19) VCF-style: chr19-12954341-A-C.
Identifiers: ClinVar variation 3651730 (VCV003651730.2).

ClinVar aggregate classification (germline): Uncertain significance (1 of 4 stars; one submission).

Submission:

Labcorp Genetics (formerly Invitae), Labcorp
Classification: Uncertain significance. Last evaluated: 2024-05-06. Review status: criteria provided, single submitter. Criteria: Invitae Variant Classification Sherloc (09022015). Collection method: clinical testing. Allele origin: germline.
Comment: This sequence change affects an acceptor splice site in intron 3 of the MAST1 gene. It is expected to disrupt RNA splicing. Variants that disrupt the donor or acceptor splice site typically lead to a loss of protein function (PMID: 16199547), however the current clinical and genetic evidence is not sufficient to establish whether loss-of-function variants in MAST1 cause disease. This variant is not present in population databases (gnomAD no frequency). This variant has not been reported in the literature in individuals affected with MAST1-related conditions. Algorithms developed to predict the effect of sequence changes on RNA splicing suggest that this variant may disrupt the consensus splice site. In summary, the available evidence is currently insufficient to determine the role of this variant in disease. Therefore, it has been classified as a Variant of Uncertain Significance.

Literature cited by the submitters: PubMed 16199547.